The following is an entry in ClinVar:

NM_173689.7(CRB2):c.1154C>T (p.Pro385Leu)

Gene: CRB2 (crumbs cell polarity complex component 2; plus strand). Cytogenetic location: 9q33.3.
Variant type: single nucleotide variant.
Coding change: c.1154C>T on transcript NM_173689.7 (MANE Select); coding-DNA position 1154, C replaced by T.
Protein change: p.Pro385Leu; replaces proline 385 with leucine.
Molecular consequence: missense variant. On other transcripts: non-coding transcript variant (1).
Genome position (GRCh38, 1-based): chr9:123,370,207, C>T. VCF-style: chr9-123370207-C-T. GRCh37 (hg19) VCF-style: chr9-126132486-C-T.
Other names: short protein forms P385L.
Identifiers: ClinVar variation 1485503 (VCV001485503.6), dbSNP rs373818132, ClinGen allele CA199636585.

ClinVar aggregate classification (germline): Uncertain significance (1 of 4 stars; one submission).

Allele frequency attached by ClinVar (database versions not stated): gnomAD 0.00001; TOPMed 0.00001; gnomAD exomes below 0.00001.
gnomAD v4.1: 2 of 1,613,004 alleles (0.00012%); highest among the groups gnomAD compares: South Asian, 0.0011%; no homozygotes.

Submission:

Labcorp Genetics (formerly Invitae), Labcorp
Classification: Uncertain significance. Last evaluated: 2025-10-21. Review status: criteria provided, single submitter. Criteria: Invitae Variant Classification Sherloc (09022015). Collection method: clinical testing. Allele origin: germline.
Comment: This sequence change replaces proline, which is neutral and non-polar, with leucine, which is neutral and non-polar, at codon 385 of the CRB2 protein (p.Pro385Leu). This variant is present in population databases (rs373818132, gnomAD 0.003%). This variant has not been reported in the literature in individuals affected with CRB2-related conditions. ClinVar contains an entry for this variant (Variation ID: 1485503). Invitae Evidence Modeling of protein sequence and biophysical properties (such as structural, functional, and spatial information, amino acid conservation, physicochemical variation, residue mobility, and thermodynamic stability) indicates that this missense variant is not expected to disrupt CRB2 protein function with a negative predictive value of 95%. In summary, the available evidence is currently insufficient to determine the role of this variant in disease. Therefore, it has been classified as a Variant of Uncertain Significance.